The following is an entry in ClinVar:

NM_000094.4(COL7A1):c.1079G>A (p.Trp360Ter)

Gene: COL7A1 (collagen type VII alpha 1 chain; minus strand). Cytogenetic location: 3p21.31.
Variant type: single nucleotide variant.
Coding change: c.1079G>A on transcript NM_000094.4 (MANE Select); coding-DNA position 1079, G replaced by A.
Protein change: p.Trp360Ter; replaces tryptophan 360 with a stop codon.
Molecular consequence: nonsense.
Genome position (GRCh38, 1-based): chr3:48,592,365, C>T on the plus strand (G>A on the coding strand, the complement: COL7A1 is on the minus strand). VCF-style: chr3-48592365-C-T. GRCh37 (hg19) VCF-style: chr3-48629798-C-T.
Other names: short protein forms W360*.
Identifiers: ClinVar variation 1372022 (VCV001372022.6), dbSNP rs2045767651, ClinGen allele CA352738495.

ClinVar aggregate classification (germline): Pathogenic (1 of 4 stars; one submission).

Allele frequency attached by ClinVar (database versions not stated): gnomAD exomes below 0.00001.
gnomAD v4.1: 4 of 1,613,608 alleles (0.00025%); highest among the groups gnomAD compares: Non-Finnish European, 0.00034%; no homozygotes.

Submission:

Labcorp Genetics (formerly Invitae), Labcorp
Classification: Pathogenic. Last evaluated: 2022-02-03. Review status: criteria provided, single submitter. Criteria: Invitae Variant Classification Sherloc (09022015). Collection method: clinical testing. Allele origin: germline.
Comment: For these reasons, this variant has been classified as Pathogenic. Algorithms developed to predict the effect of sequence changes on RNA splicing suggest that this variant may create or strengthen a splice site. This variant has not been reported in the literature in individuals affected with COL7A1-related conditions. This variant is not present in population databases (gnomAD no frequency). This sequence change creates a premature translational stop signal (p.Trp360*) in the COL7A1 gene. It is expected to result in an absent or disrupted protein product. Loss-of-function variants in COL7A1 are known to be pathogenic (PMID: 16971478).

Literature cited by the submitters: PubMed 16971478.